The following is an entry in ClinVar:

NM_000088.4(COL1A1):c.4356_4359dup (p.Phe1454fs)

Gene: COL1A1 (collagen type I alpha 1 chain; minus strand). Cytogenetic location: 17q21.33.
Variant type: Duplication.
Coding change: c.4356_4359dup on transcript NM_000088.4 (MANE Select); coding-DNA positions 4356 to 4359, 4 bases duplicated (GGAA; older notation c.4356_4359dupGGAA).
Protein change: p.Phe1454fs; shifts the reading frame from phenylalanine 1454.
Molecular consequence: frameshift variant.
Genome position (GRCh38, 1-based): chr17:50,185,538-50,185,541, TTCC duplicated on the plus strand (GGAA on the coding strand, the reverse complement: COL1A1 is on the minus strand); duplicating any 4 consecutive bases within chr17:50,185,538-50,185,542 gives the same sequence; the c. name uses the placement nearest the transcript's 3' end. VCF-style (leftmost placement, unchanged base first): chr17-50185537-A-ATTCC. GRCh37 (hg19) VCF-style: chr17-48262898-A-ATTCC.
Other names: c.4356_4359dupGGAA (NM_000088.4); short protein forms F1454fs.
Identifiers: ClinVar variation 2104840 (VCV002104840.5), dbSNP rs2509152668, ClinGen allele CA2580094158.
Genomic context (GRCh38, chr17:50,185,537, plus strand): 5'-GGAGCCAGGTTGGGATGGAGGGAGTTTACAGGAAGCAGACAGGGCCAACGTCGAAGCCGA[A>ATTCC]TTCCTGGTCTGGGGCACCAACGTCCAAGGGGGCCACATCGATGATGGGCAGGCGGGAGGT-3'

ClinVar aggregate classification (germline): Pathogenic. Review status: criteria provided, multiple submitters, no conflicts (2 of 4 stars). 2 submissions from 2 submitters: Pathogenic (2). Last evaluated 2025-03-01.

Conditions:
Osteogenesis imperfecta type I (OI1). Also called: Lobstein's Disease; Lobstein disease; Classic Non-deforming Osteogenesis Imperfecta with Blue Sclerae; OI, TYPE I; OSTEOGENESIS IMPERFECTA TARDA; OSTEOGENESIS IMPERFECTA WITH BLUE SCLERAE. Identifiers: Orphanet 216796, Orphanet 666, MedGen C0023931, MONDO:0008146, OMIM 166200. Disease mechanism: loss of function.

Submissions (2):

Laboratory of Genetic Skeletal Anomaly, Seoul National University Children's Hospital
Classification: Pathogenic for Osteogenesis imperfecta type I. Last evaluated: 2025-03-01. Review status: criteria provided, single submitter. Criteria: ACMG Guidelines, 2015. Collection method: research. Allele origin: germline. Affected: yes.
Comment: This variant is a novel variant not previously reported in the literature or population databases. It was classified based on available in silico predictions and absence from gnomAD.

Labcorp Genetics (formerly Invitae), Labcorp
Classification: Pathogenic for Osteogenesis imperfecta type I. Last evaluated: 2024-02-23. Review status: criteria provided, single submitter. Criteria: Invitae Variant Classification Sherloc (09022015). Collection method: clinical testing. Allele origin: germline.
Comment: This sequence change results in a frameshift in the COL1A1 gene (p.Phe1454Glyfs*98). While this is not anticipated to result in nonsense mediated decay, it is expected to disrupt the last 11 amino acid(s) of the COL1A1 protein and extend the protein by 86 additional amino acid residues. This variant is not present in population databases (gnomAD no frequency). This frameshift has been observed in individual(s) with clinical features of osteogenesis imperfecta (Invitae). ClinVar contains an entry for this variant (Variation ID: 2104840). This variant disrupts a region of the COL1A1 protein in which other variant(s) (p.Leu1464Pro) have been determined to be pathogenic (PMID: 27509835, 34902613). This suggests that this is a clinically significant region of the protein, and that variants that disrupt it are likely to be disease-causing. For these reasons, this variant has been classified as Pathogenic.

Literature cited by the submitters: PubMed 27509835 (cited by Labcorp Genetics (formerly Invitae), Labcorp); PubMed 34902613 (cited by Labcorp Genetics (formerly Invitae), Labcorp).